The following is an entry in ClinVar:

NM_001080467.3(MYO5B):c.4163A>C (p.Glu1388Ala)

Gene: MYO5B (myosin VB; minus strand). Cytogenetic location: 18q21.1.
Variant type: single nucleotide variant.
Coding change: c.4163A>C on transcript NM_001080467.3 (MANE Select); coding-DNA position 4163, A replaced by C.
Protein change: p.Glu1388Ala; replaces glutamic acid 1388 with alanine.
Molecular consequence: missense variant.
Genome position (GRCh38, 1-based): chr18:49,853,507, T>G on the plus strand (A>C on the coding strand, the complement: MYO5B is on the minus strand). VCF-style: chr18-49853507-T-G. GRCh37 (hg19) VCF-style: chr18-47379877-T-G.
Other names: short protein forms E1388A.
Identifiers: ClinVar variation 2197724 (VCV002197724.3), dbSNP rs1048982330, ClinGen allele CA299951493.

ClinVar aggregate classification (germline): Uncertain significance (1 of 4 stars; one submission).

Allele frequency attached by ClinVar (database versions not stated): gnomAD exomes below 0.00001; gnomAD 0.00002; TOPMed 0.00005.
gnomAD v4.1: 5 of 1,614,070 alleles (0.00031%); highest among the groups gnomAD compares: African/African-American, 0.0067%; no homozygotes.

Submission:

Labcorp Genetics (formerly Invitae), Labcorp
Classification: Uncertain significance. Last evaluated: 2022-04-19. Review status: criteria provided, single submitter. Criteria: Invitae Variant Classification Sherloc (09022015). Collection method: clinical testing. Allele origin: germline.
Comment: In summary, the available evidence is currently insufficient to determine the role of this variant in disease. Therefore, it has been classified as a Variant of Uncertain Significance. Algorithms developed to predict the effect of missense changes on protein structure and function are either unavailable or do not agree on the potential impact of this missense change (SIFT: "Deleterious"; PolyPhen-2: "Possibly Damaging"; Align-GVGD: "Class C0"). This variant has not been reported in the literature in individuals affected with MYO5B-related conditions. This variant is not present in population databases (gnomAD no frequency). This sequence change replaces glutamic acid, which is acidic and polar, with alanine, which is neutral and non-polar, at codon 1388 of the MYO5B protein (p.Glu1388Ala).